The following is an entry in ClinVar:

NM_000077.5(CDKN2A):c.129T>C (p.Ser43=)

Gene: CDKN2A (cyclin dependent kinase inhibitor 2A; minus strand). Cytogenetic location: 9p21.3.
Variant type: single nucleotide variant.
Coding change: c.129T>C on transcript NM_000077.5; coding-DNA position 129, T replaced by C.
Protein change: p.Ser43=; no amino-acid change (serine 43 retained).
Molecular consequence: synonymous variant (on NM_000077.6). On other transcripts: intron variant (2).
Genome position (GRCh38, 1-based): chr9:21,974,699, A>G on the plus strand (T>C on the coding strand, the complement: CDKN2A is on the minus strand). VCF-style: chr9-21974699-A-G. GRCh37 (hg19) VCF-style: chr9-21974698-A-G.
Other names: c.129T>C, p.Ser43= (NM_000077.6, NM_001195132.2, NM_058197.5); c.-3-3491T>C (NM_001363763.2); c.194-3491T>C (NM_058195.4).
Identifiers: ClinVar variation 1136516 (VCV001136516.12), dbSNP rs2131112224, ClinGen allele CA464100122.

ClinVar aggregate classification (germline): Benign/Likely benign. Review status: criteria provided, multiple submitters, no conflicts (2 of 4 stars). 3 submissions from 3 submitters: Benign (1); Likely benign (2). Last evaluated 2025-08-14.

Conditions:
Melanoma-pancreatic cancer syndrome. Identifiers: Orphanet 404560, MedGen C1838547, MONDO:0011713, OMIM 606719. Disease mechanism: loss of function.
Familial melanoma. Also called: Hereditary melanoma; Hereditary cutaneous melanoma. Identifiers: Orphanet 618, MedGen C1512419, MONDO:0018961.
Hereditary cancer-predisposing syndrome. Also called: Hereditary neoplastic syndrome; Tumor predisposition; Hereditary Cancer Syndrome; Neoplastic Syndromes, Hereditary. Identifiers: Orphanet 140162, MedGen C0027672, MeSH D009386, MONDO:0015356.

Submissions (3):

Myriad Genetics, Inc.
Classification: Benign for Melanoma-pancreatic cancer syndrome. Last evaluated: 2025-08-14. Review status: criteria provided, single submitter. Criteria: Myriad Autosomal Dominant, Autosomal Recessive and X-Linked Classification Criteria (2023). Collection method: clinical testing. Allele origin: unknown.
Comment: This variant is considered benign. This variant is a silent/synonymous amino acid change and it is not expected to impact splicing.

Color Diagnostics, LLC DBA Color Health
Classification: Likely benign for Hereditary cancer-predisposing syndrome. Last evaluated: 2021-07-13. Review status: criteria provided, single submitter. Criteria: ACMG Guidelines, 2015. Collection method: clinical testing. Allele origin: germline.

Labcorp Genetics (formerly Invitae), Labcorp
Classification: Likely benign for Familial melanoma. Last evaluated: 2019-11-28. Review status: criteria provided, single submitter. Criteria: Invitae Variant Classification Sherloc (09022015). Collection method: clinical testing. Allele origin: germline.